The following is an entry in ClinVar:

NM_004958.4(MTOR):c.6455G>A (p.Arg2152His)

Gene: MTOR (mechanistic target of rapamycin kinase; minus strand). Cytogenetic location: 1p36.22.
Variant type: single nucleotide variant.
Coding change: c.6455G>A on transcript NM_004958.4 (MANE Select); coding-DNA position 6455, G replaced by A.
Protein change: p.Arg2152His; replaces arginine 2152 with histidine.
Molecular consequence: missense variant.
Genome position (GRCh38, 1-based): chr1:11,126,693, C>T on the plus strand (G>A on the coding strand, the complement: MTOR is on the minus strand). VCF-style: chr1-11126693-C-T. GRCh37 (hg19) VCF-style: chr1-11186750-C-T.
Other names: c.6455G>A, p.Arg2152His (NM_001386500.1); c.5207G>A, p.Arg1736His (NM_001386501.1); short protein forms R2152H, R1736H.
Identifiers: ClinVar variation 2982082 (VCV002982082.3), dbSNP rs764978010, ClinGen allele CA589096.

ClinVar aggregate classification (germline): Uncertain significance. Review status: criteria provided, multiple submitters, no conflicts (2 of 4 stars). 2 submissions from 2 submitters: Uncertain significance (2). Last evaluated 2025-06-22.

Conditions:
Isolated focal cortical dysplasia type II (FCORD2). Also called: CORTICAL DYSPLASIA OF TAYLOR; Focal cortical dysplasia type II. Identifiers: Orphanet 268994, MedGen C1846385, MONDO:0011818, OMIM 607341, HP:0032051.

Allele frequency attached by ClinVar (database versions not stated): ExAC 0.00001.
gnomAD v4.1: 5 of 1,613,768 alleles (0.00031%); highest among the groups gnomAD compares: East Asian, 0.0022%; no homozygotes.

Submissions (2):

Labcorp Genetics (formerly Invitae), Labcorp
Classification: Uncertain significance. Last evaluated: 2025-06-22. Review status: criteria provided, single submitter. Criteria: Invitae Variant Classification Sherloc (09022015). Collection method: clinical testing. Allele origin: germline.
Comment: This sequence change replaces arginine, which is basic and polar, with histidine, which is basic and polar, at codon 2152 of the MTOR protein (p.Arg2152His). This variant is present in population databases (rs764978010, gnomAD 0.004%). This variant has not been reported in the literature in individuals affected with MTOR-related conditions. ClinVar contains an entry for this variant (Variation ID: 2982082). Invitae Evidence Modeling of protein sequence and biophysical properties (such as structural, functional, and spatial information, amino acid conservation, physicochemical variation, residue mobility, and thermodynamic stability) indicates that this missense variant is not expected to disrupt MTOR protein function with a negative predictive value of 95%. In summary, the available evidence is currently insufficient to determine the role of this variant in disease. Therefore, it has been classified as a Variant of Uncertain Significance.

Genomic Medicine Center of Excellence, King Faisal Specialist Hospital and Research Centre
Classification: Uncertain significance for Isolated focal cortical dysplasia type II. Last evaluated: 2024-09-22. Review status: criteria provided, single submitter. Criteria: ACMG Guidelines, 2015. Collection method: clinical testing. Allele origin: germline.